The following is an entry in ClinVar:

NM_006767.4(LZTR1):c.355del (p.Tyr119fs)

Gene: LZTR1 (leucine zipper like post translational regulator 1; plus strand). Cytogenetic location: 22q11.21.
Variant type: Deletion.
Coding change: c.355del on transcript NM_006767.4 (MANE Select); coding-DNA position 355, one base deleted (T; older notation c.355delT).
Protein change: p.Tyr119fs; shifts the reading frame from tyrosine 119.
Molecular consequence: frameshift variant.
Genome position (GRCh38, 1-based): chr22:20,987,538, T deleted; the last of 2 consecutive T bases (chr22:20,987,537-20,987,538); deleting either gives the same sequence. VCF-style (leftmost placement, unchanged base first): chr22-20987536-GT-G. GRCh37 (hg19) VCF-style: chr22-21341825-GT-G.
Other names: short protein forms Y119fs.
Identifiers: ClinVar variation 3644864 (VCV003644864.2).

ClinVar aggregate classification (germline): Pathogenic (1 of 4 stars; one submission).

Submission:

Labcorp Genetics (formerly Invitae), Labcorp
Classification: Pathogenic. Last evaluated: 2024-03-07. Review status: criteria provided, single submitter. Criteria: Invitae Variant Classification Sherloc (09022015). Collection method: clinical testing. Allele origin: germline.
Comment: This sequence change creates a premature translational stop signal (p.Tyr119Thrfs*28) in the LZTR1 gene. It is expected to result in an absent or disrupted protein product. Loss-of-function variants in LZTR1 are known to be pathogenic (PMID: 24362817, 25335493, 25480913, 25795793, 29469822, 30368668, 30442762, 30442766, 30481304, 30859559). This variant is not present in population databases (gnomAD no frequency). This variant has not been reported in the literature in individuals affected with LZTR1-related conditions. For these reasons, this variant has been classified as Pathogenic.

Literature cited by the submitters: PubMed 24362817; PubMed 25335493; PubMed 25480913; PubMed 25795793; PubMed 29469822; PubMed 30368668; PubMed 30442762; PubMed 30442766; PubMed 30481304; PubMed 30859559.